The following is an entry in ClinVar:

NM_004082.5(DCTN1):c.1810G>T (p.Asp604Tyr)

Gene: DCTN1 (dynactin subunit 1; minus strand). Cytogenetic location: 2p13.1.
Variant type: single nucleotide variant.
Coding change: c.1810G>T on transcript NM_004082.5 (MANE Select); coding-DNA position 1810, G replaced by T.
Protein change: p.Asp604Tyr; replaces aspartic acid 604 with tyrosine.
Molecular consequence: missense variant. On other transcripts: non-coding transcript variant (1).
Genome position (GRCh38, 1-based): chr2:74,368,772, C>A on the plus strand (G>T on the coding strand, the complement: DCTN1 is on the minus strand). VCF-style: chr2-74368772-C-A. GRCh37 (hg19) VCF-style: chr2-74595899-C-A.
Other names: c.1750G>T, p.Asp584Tyr (NM_001135040.3); c.1408G>T, p.Asp470Tyr (NM_001135041.3, NM_023019.4); c.1699G>T, p.Asp567Tyr (NM_001190836.2); c.1789G>T, p.Asp597Tyr (NM_001190837.2); c.1759G>T, p.Asp587Tyr (NM_001378991.1); c.1741G>T, p.Asp581Tyr (NM_001378992.1); short protein forms D470Y, D567Y, D581Y, D584Y, D587Y, D597Y, D604Y.
Identifiers: ClinVar variation 4687424 (VCV004687424.1).

ClinVar aggregate classification (germline): Uncertain significance (1 of 4 stars; one submission).

Submission:

Women's Health and Genetics/Laboratory Corporation of America, LabCorp
Classification: Uncertain significance. Last evaluated: 2025-10-09. Review status: criteria provided, single submitter. Criteria: LabCorp Variant Classification Summary - May 2015. Collection method: clinical testing. Allele origin: germline.
Comment: Variant summary: DCTN1 c.1810G>T (p.Asp604Tyr) results in a non-conservative amino acid change in the encoded protein sequence. Algorithms developed to predict the effect of missense changes on protein structure and function all suggest that this variant is likely to be disruptive. The variant was absent in 251490 control chromosomes. The available data on variant occurrences in the general population are insufficient to allow any conclusion about variant significance. To our knowledge, no occurrence of c.1810G>T in individuals affected with DCTN1-related conditions and no experimental evidence demonstrating its impact on protein function have been reported. No submitters have cited clinical-significance assessments for this variant to ClinVar. Based on the evidence outlined above, the variant was classified as uncertain significance.